The following is an entry in ClinVar:

NM_001370259.2(MEN1):c.1032G>A (p.Thr344=)

Gene: MEN1 (menin 1; minus strand). Cytogenetic location: 11q13.1.
Variant type: single nucleotide variant.
Coding change: c.1032G>A on transcript NM_001370259.2 (MANE Select); coding-DNA position 1032, G replaced by A.
Protein change: p.Thr344=; no amino-acid change (threonine 344 retained).
Molecular consequence: synonymous variant.
Genome position (GRCh38, 1-based): chr11:64,806,249, C>T on the plus strand (G>A on the coding strand, the complement: MEN1 is on the minus strand). VCF-style: chr11-64806249-C-T. GRCh37 (hg19) VCF-style: chr11-64573721-C-T.
Other names: c.1047G>A (NM_000244.3); c.1047G>A, p.Thr349= (NM_000244.4, NM_130800.3, NM_130801.3 and 3 more transcripts); c.1032G>A, p.Thr344= (NM_001370251.2, NM_001370260.2, NM_001370261.2 and 1 more transcripts); c.927G>A, p.Thr309= (NM_001370262.2, NM_001370263.2).
Identifiers: ClinVar variation 457277 (VCV000457277.35), dbSNP rs760183888, ClinGen allele CA059715.

ClinVar aggregate classification (germline): Benign/Likely benign. Review status: criteria provided, multiple submitters, no conflicts (2 of 4 stars). 8 submissions from 8 submitters: Benign (2); Likely benign (6). Last evaluated 2026-01-09.

Conditions:
Hereditary cancer-predisposing syndrome. Also called: Hereditary neoplastic syndrome; Neoplastic Syndromes, Hereditary; Hereditary Cancer Syndrome; Tumor predisposition. Identifiers: Orphanet 140162, MedGen C0027672, MeSH D009386, MONDO:0015356.
MEN1-related disorder. Also called: MEN1-related condition.
Multiple endocrine neoplasia, type 1 (MEN1). Also called: MEA I; MEN I; WERMER SYNDROME; Endocrine adenomatosis multiple; MEN 1. Identifiers: Orphanet 652, MedGen C0025267, MeSH D018761, MONDO:0007540, OMIM 131100.

Allele frequency attached by ClinVar (database versions not stated): gnomAD exomes 0.00003; ExAC 0.00004; gnomAD 0.00005; TOPMed 0.00005.
gnomAD v4.1: 30 of 1,614,024 alleles (0.0019%); highest among the groups gnomAD compares: South Asian, 0.013%; no homozygotes.

Submissions (8):

PreventionGenetics, part of Exact Sciences
Classification: Likely benign for MEN1-related condition. Last evaluated: 2026-01-09. Review status: criteria provided, single submitter. Criteria: ACMG Guidelines, 2015. Collection method: clinical testing. Allele origin: germline.
Comment: This variant is classified as likely benign based on ACMG/AMP sequence variant interpretation guidelines (Richards et al. 2015 PMID: 25741868, with internal and published modifications).

Labcorp Genetics (formerly Invitae), Labcorp
Classification: Likely benign for Multiple endocrine neoplasia, type 1. Last evaluated: 2025-11-19. Review status: criteria provided, single submitter. Criteria: Invitae Variant Classification Sherloc (09022015). Collection method: clinical testing. Allele origin: germline.

CeGaT Center for Human Genetics Tuebingen
Classification: Likely benign. Last evaluated: 2025-02-01. Review status: criteria provided, single submitter. Criteria: CeGaT Center For Human Genetics Tuebingen Variant Classification Criteria Version 2. Collection method: clinical testing. Allele origin: germline. Affected: yes. Observed: 1 variant allele.
Comment: MEN1: BP4, BP7

KCCC/NGS Laboratory, Kuwait Cancer Control Center
Classification: Benign for Multiple endocrine neoplasia, type 1. Last evaluated: 2025-02-01. Review status: criteria provided, single submitter. Criteria: ACMG Guidelines, 2015. Collection method: clinical testing. Allele origin: germline. Affected: no.

Myriad Genetics, Inc.
Classification: Benign for Multiple endocrine neoplasia, type 1. Last evaluated: 2024-11-04. Review status: criteria provided, single submitter. Criteria: Myriad Autosomal Dominant, Autosomal Recessive and X-Linked Classification Criteria (2023). Collection method: clinical testing. Allele origin: unknown.
Comment: This variant is considered benign. This variant is a silent/synonymous amino acid change and it is not expected to impact splicing.

Color Diagnostics, LLC DBA Color Health
Classification: Likely benign for Multiple endocrine neoplasia, type 1. Last evaluated: 2024-02-28. Review status: criteria provided, single submitter. Criteria: ACMG Guidelines, 2015. Collection method: clinical testing. Allele origin: germline.

ARUP Laboratories, Molecular Genetics and Genomics, ARUP Laboratories
Classification: Likely benign. Last evaluated: 2022-08-11. Review status: criteria provided, single submitter. Criteria: ARUP Molecular Germline Variant Investigation Process 2021. Collection method: clinical testing. Allele origin: germline.

Ambry Genetics
Classification: Likely benign for Hereditary cancer-predisposing syndrome. Last evaluated: 2016-10-26. Review status: criteria provided, single submitter. Criteria: Ambry Variant Classification Scheme 2023. Collection method: clinical testing. Allele origin: germline.